The following is an entry in ClinVar:

ClinVar aggregate classification (germline): Uncertain significance. Review status: criteria provided, multiple submitters, no conflicts (2 of 4 stars). 2 submissions from 2 submitters: Uncertain significance (2). Last evaluated 2025-08-27.

Conditions:
Hereditary cancer-predisposing syndrome. Also called: Hereditary neoplastic syndrome; Hereditary Cancer Syndrome; Tumor predisposition; Neoplastic Syndromes, Hereditary. Identifiers: Orphanet 140162, MedGen C0027672, MeSH D009386, MONDO:0015356.
Familial adenomatous polyposis 2. Also called: ADENOMAS, MULTIPLE COLORECTAL, AUTOSOMAL RECESSIVE; MUTYH Polyposis; MUTYH-related attenuated familial adenomatous polyposis; Adenomas, multiple colorectal; MUTYH-associated polyposis; COLORECTAL ADENOMATOUS POLYPOSIS, AUTOSOMAL RECESSIVE. Identifiers: Orphanet 220460, Orphanet 247798, MedGen C3272841, MONDO:0012041, OMIM 608456.

Submissions (2):

Ambry Genetics
Classification: Uncertain significance for Hereditary cancer-predisposing syndrome. Last evaluated: 2025-08-27. Review status: criteria provided, single submitter. Criteria: Ambry Variant Classification Scheme 2023. Collection method: clinical testing. Allele origin: germline.
Comment: The p.G525S variant (also known as c.1573G>A), located in coding exon 16 of the MUTYH gene, results from a G to A substitution at nucleotide position 1573. The glycine at codon 525 is replaced by serine, an amino acid with similar properties. This amino acid position is conserved. In addition, this alteration is predicted to be tolerated by in silico analysis. Based on the available evidence, the clinical significance of this variant remains unclear.

St. Jude Molecular Pathology, St. Jude Children's Research Hospital
Classification: Uncertain significance for Familial adenomatous polyposis 2. Last evaluated: 2022-01-22. Review status: criteria provided, single submitter. Criteria: St. Jude Assertion Criteria 2020. Collection method: clinical testing. Allele origin: germline.
Comment: The MUYTH c.1573G>A (p.Gly525Ser) missense variant is absent in gnomAD v2.1.1 (PM2_Supporting ). In silico tools are not in agreement about the effect of this variant on protein function, but to our knowledge these predictions have not been confirmed by functional assays. To our knowledge, this variant has not been reported in individuals with familial adenomatous polyposis. In summary, this variant meets criteria to be classified as of uncertain significance based on the ACMG/AMP criteria: PM2_Supporting.

NM_001048174.2(MUTYH):c.1489G>A (p.Gly497Ser)

Gene: MUTYH (mutY DNA glycosylase; minus strand). Cytogenetic location: 1p34.1.
Variant type: single nucleotide variant.
Coding change: c.1489G>A on transcript NM_001048174.2 (MANE Select); coding-DNA position 1489, G replaced by A.
Protein change: p.Gly497Ser; replaces glycine 497 with serine.
Molecular consequence: missense variant. On other transcripts: non-coding transcript variant (2).
Genome position (GRCh38, 1-based): chr1:45,329,383, C>T on the plus strand (G>A on the coding strand, the complement: MUTYH is on the minus strand). VCF-style: chr1-45329383-C-T. GRCh37 (hg19) VCF-style: chr1-45795055-C-T.
Other names: c.1213G>A, p.Gly405Ser (NM_001293192.2, NM_001293196.2); c.1489G>A, p.Gly497Ser (NM_001293195.2, NM_001048171.2, NM_001048173.2); c.1144G>A, p.Gly382Ser (NM_001350650.2, NM_001350651.2); c.1564G>A, p.Gly522Ser (NM_012222.3); c.1492G>A, p.Gly498Ser (NM_001048172.2); c.1573G>A, p.Gly525Ser (NM_001128425.2); c.1534G>A, p.Gly512Ser (NM_001293190.2); c.1522G>A, p.Gly508Ser (NM_001293191.2); short protein forms G382S, G405S, G497S, G498S, G508S, G512S, G522S, G525S.
Identifiers: ClinVar variation 1691509 (VCV001691509.5), dbSNP rs2149088733, ClinGen allele CA340131744.